The following is an entry in ClinVar:

ClinVar aggregate classification (germline): Pathogenic (1 of 4 stars; one submission).

Conditions:
Retinoblastoma (RB1). Also called: RETINOBLASTOMA, SOMATIC. Identifiers: Orphanet 790, MedGen C0035335, MeSH D012175, MONDO:0008380, OMIM 180200, HP:0009919. Disease mechanism: loss of function. Inheritance: Both sporadic and heritable forms are tested..

Submission:

Labcorp Genetics (formerly Invitae), Labcorp
Classification: Pathogenic for Retinoblastoma. Last evaluated: 2021-10-23. Review status: criteria provided, single submitter. Criteria: Invitae Variant Classification Sherloc (09022015). Collection method: clinical testing. Allele origin: germline.
Comment: For these reasons, this variant has been classified as Pathogenic. ClinVar contains an entry for this variant (Variation ID: 237659). This variant has not been reported in the literature in individuals affected with RB1-related conditions. This variant is not present in population databases (ExAC no frequency). This sequence change creates a premature translational stop signal (p.Leu385*) in the RB1 gene. It is expected to result in an absent or disrupted protein product. Loss-of-function variants in RB1 are known to be pathogenic (PMID: 17096365).

Literature cited by the submitters: PubMed 17096365.

NM_000321.3(RB1):c.1154T>G (p.Leu385Ter)

Gene: RB1 (RB transcriptional corepressor 1; plus strand). Cytogenetic location: 13q14.2.
Variant type: single nucleotide variant.
Coding change: c.1154T>G on transcript NM_000321.3 (MANE Select); coding-DNA position 1154, T replaced by G.
Protein change: p.Leu385Ter; replaces leucine 385 with a stop codon.
Molecular consequence: nonsense.
Genome position (GRCh38, 1-based): chr13:48,373,431, T>G. VCF-style: chr13-48373431-T-G. GRCh37 (hg19) VCF-style: chr13-48947567-T-G.
Other names: short protein forms L385*.
Identifiers: ClinVar variation 237659 (VCV000237659.6), dbSNP rs878853947, ClinGen allele CA10583158.